The following is an entry in ClinVar:

ClinVar aggregate classification (germline): Likely benign (1 of 4 stars; one submission).

Conditions:
Leigh syndrome (NULS). Also called: Leigh's necrotizing encephalopathy; Leigh's disease; Leigh's syndrome; Leigh Syndrome (mtDNA deletion); Leigh Disease; LEIGH SYNDROME, NUCLEAR. Identifiers: Orphanet 506, MedGen C2931891, MONDO:0009723, OMIM 256000.

Allele frequency attached by ClinVar (database versions not stated): gnomAD 0.01377; 1000 Genomes Project 0.01657; gnomAD exomes 0.00110; 1000 Genomes Project 30x 0.01640; TOPMed 0.01523.
gnomAD v4.1: 3,182 of 985,348 alleles (0.32%); highest among the groups gnomAD compares: African/African-American, 5%; 84 homozygotes.

Submission:

Illumina Laboratory Services, Illumina
Classification: Likely benign for Leigh syndrome. Last evaluated: 2018-01-12. Review status: criteria provided, single submitter. Criteria: ICSL Variant Classification Criteria 13 December 2019. Collection method: clinical testing. Allele origin: germline.
Comment: This variant was observed in the ICSL laboratory as part of a predisposition screen in an ostensibly healthy population. It had not been previously curated by ICSL or reported in the Human Gene Mutation Database (HGMD: prior to June 1st, 2018), and was therefore a candidate for classification through an automated scoring system. Utilizing variant allele frequency, disease prevalence and penetrance estimates, and inheritance mode, an automated score was calculated to assess if this variant is too frequent to cause the disease. Based on the score and internal cut-off values, a variant classified as likely benign is not then subjected to further curation. The score for this variant resulted in a classification of likely benign for this disease.

NM_004376.5(COX15):c.*4218C>T

Genes: COX15 (cytochrome c oxidase assembly factor COX15; minus strand), ENTPD7 (ectonucleoside triphosphate diphosphohydrolase 7; plus strand). Cytogenetic location: 10q24.2.
Variant type: single nucleotide variant.
Coding change: c.*4218C>T on transcript NM_004376.5; 4218 bases downstream of the stop codon, C replaced by T.
Molecular consequence: 3 prime UTR variant (on NM_020354.5). On other transcripts: intron variant (1).
Genome position (GRCh38, 1-based): chr10:99,709,196, G>A on the plus strand (C>T on the coding strand, the complement: COX15 is on the minus strand). VCF-style: chr10-99709196-G-A. GRCh37 (hg19) VCF-style: chr10-101468953-G-A.
Other names: c.*5391C>T (NM_078470.4); c.*4513G>A (NM_001349962.2, NM_001349963.2, NM_020354.5); c.1101+7152C>T (NM_001320974.2).
Identifiers: ClinVar variation 298367 (VCV000298367.7), dbSNP rs138423739, ClinGen allele CA10636672.
Genomic context (GRCh38, chr10:99,709,196, plus strand): 5'-TCATTAGATGACTACAGCCTAGATGAAGGTATAAATGCCTATTACATCTACCTCATTAAA[G>A]AACTTCGTTGTAATTCTTGGGCAGTTTCCAGACTCTGTTACAGAAACAGAGGGCTGTTTC-3'